The following is an entry in ClinVar:

ClinVar aggregate classification (germline): Likely benign. Review status: criteria provided, multiple submitters, no conflicts (2 of 4 stars). 2 submissions from 2 submitters: Likely benign (2). Last evaluated 2024-11-17.

gnomAD v4.1: 500 of 1,613,288 alleles (0.031%); highest among the groups gnomAD compares: South Asian, 0.098%; no homozygotes.

Submissions (2):

Blueprint Genetics
Classification: Likely benign. Last evaluated: 2024-11-17. Review status: criteria provided, single submitter. Criteria: ACMG Guidelines, 2015. Collection method: clinical testing. Allele origin: germline.

Women's Health and Genetics/Laboratory Corporation of America, LabCorp
Classification: Likely benign. Last evaluated: 2024-10-04. Review status: criteria provided, single submitter. Criteria: LabCorp Variant Classification Summary - May 2015. Collection method: clinical testing. Allele origin: germline.
Comment: Variant summary: ATAD3A c.750+10C>T alters a non-conserved nucleotide located at a position not widely known to affect splicing. Consensus agreement among computation tools predict no significant impact on normal splicing. However, these predictions have yet to be confirmed by functional studies. The variant allele was found at a frequency of 0.00027 in 251002 control chromosomes, predominantly at a frequency of 0.0011 within the South Asian subpopulation in the gnomAD database. To our knowledge, no occurrence of c.750+10C>T in individuals affected with ATAD3A-related phenotypes and no experimental evidence demonstrating its impact on protein function have been reported. No submitters have cited clinical-significance assessments for this variant to ClinVar. Based on the evidence outlined above, the variant was classified as likely benign.

NM_001170535.3(ATAD3A):c.750+10C>T

Gene: ATAD3A (ATPase family AAA domain containing 3A; plus strand). Cytogenetic location: 1p36.33.
Variant type: single nucleotide variant.
Coding change: c.750+10C>T on transcript NM_001170535.3 (MANE Select); 10 bases into the intron after coding-DNA position 750, C replaced by T.
Molecular consequence: intron variant.
Genome position (GRCh38, 1-based): chr1:1,520,627, C>T. VCF-style: chr1-1520627-C-T. GRCh37 (hg19) VCF-style: chr1-1456007-C-T.
Other names: c.894+10C>T (NM_018188.5); c.513+10C>T (NM_001170536.3).
Identifiers: ClinVar variation 3384950 (VCV003384950.2).